The following is an entry in ClinVar:

ClinVar aggregate classification (germline): Uncertain significance (1 of 4 stars; one submission).

Conditions:
Dextro-looped transposition of the great arteries. Also called: Dextrotransposition of the great arteries. Identifiers: Orphanet 860, MedGen C3531771, MONDO:0019443, OMIM 608808, HP:0031348.

Allele frequency attached by ClinVar (database versions not stated): gnomAD exomes below 0.00001; TOPMed below 0.00001; ExAC 0.00001.
gnomAD v4.1: 1 of 1,614,054 alleles (0.000062%); highest among the groups gnomAD compares: Non-Finnish European, 0.000085%; no homozygotes.

Submission:

Labcorp Genetics (formerly Invitae), Labcorp
Classification: Uncertain significance for Dextro-looped transposition of the great arteries. Last evaluated: 2025-09-08. Review status: criteria provided, single submitter. Criteria: Invitae Variant Classification Sherloc (09022015). Collection method: clinical testing. Allele origin: germline.
Comment: This sequence change replaces glycine, which is neutral and non-polar, with alanine, which is neutral and non-polar, at codon 452 of the MED13L protein (p.Gly452Ala). This variant is present in population databases (rs753312390, gnomAD 0.0009%). This variant has not been reported in the literature in individuals affected with MED13L-related conditions. ClinVar contains an entry for this variant (Variation ID: 2895643). Invitae Evidence Modeling of protein sequence and biophysical properties (such as structural, functional, and spatial information, amino acid conservation, physicochemical variation, residue mobility, and thermodynamic stability) indicates that this missense variant is not expected to disrupt MED13L protein function with a negative predictive value of 80%. In summary, the available evidence is currently insufficient to determine the role of this variant in disease. Therefore, it has been classified as a Variant of Uncertain Significance.

NM_015335.5(MED13L):c.1355G>C (p.Gly452Ala)

Gene: MED13L (mediator complex subunit 13L; minus strand). Cytogenetic location: 12q24.21.
Variant type: single nucleotide variant.
Coding change: c.1355G>C on transcript NM_015335.5 (MANE Select); coding-DNA position 1355, G replaced by C.
Protein change: p.Gly452Ala; replaces glycine 452 with alanine.
Molecular consequence: missense variant.
Genome position (GRCh38, 1-based): chr12:116,009,058, C>G on the plus strand (G>C on the coding strand, the complement: MED13L is on the minus strand). VCF-style: chr12-116009058-C-G. GRCh37 (hg19) VCF-style: chr12-116446863-C-G.
Other names: short protein forms G452A.
Identifiers: ClinVar variation 2895643 (VCV002895643.3), dbSNP rs753312390, ClinGen allele CA6811417.